The following is an entry in ClinVar:

ClinVar aggregate classification (germline): Likely pathogenic (1 of 4 stars; one submission).

Conditions:
Inborn genetic diseases. Identifiers: MedGen C0950123, MeSH D030342.

Submission:

Ambry Genetics
Classification: Likely pathogenic for Inborn genetic diseases. Last evaluated: 2020-02-13. Review status: criteria provided, single submitter. Criteria: Ambry Variant Classification Scheme 2023. Collection method: clinical testing. Allele origin: germline.
Comment: The alteration results in a premature stop codon: _x000D_ _x000D_ The c.1032delG (p.L345Wfs*24) alteration, located in exon 1 of the POU3F3 gene, results from a deletion of one nucleotide at position 1032, causing a translational frameshift with a predicted alternate stop codon after 24 amino acids. Frameshifts are typically deleterious in nature; however, because POU3F3 is a single-exon gene, this alteration is not expected to trigger nonsense-mediated mRNA decay and an altered protein could still be expressed (Maquat, 2004). This alteration impacts the last 132 amino acids of the protein which comprises 26% of the total protein. This shortened protein is unlikely to be functional. The alteration is not observed in population databases:_x000D_ _x000D_ Based on data from the Genome Aggregation Database (gnomAD), the POU3F3 c.1032delG alteration was not observed, with coverage at this position. The alteration affects a functionally important protein domain:_x000D_ _x000D_ The c.1032delG (p.L345Wfs*24) alteration is located in the POU domain of the POU3F3 protein, which is required for high affinity sequence specific DNA binding and is highly conserved throughout evolution (Rosenfeld, 1991). Based on the available evidence, this alteration is classified as likely pathogenic.

Literature cited by the submitters: PubMed 1565620; PubMed 2044958.

NM_006236.3(POU3F3):c.1032del (p.Leu345fs)

Gene: POU3F3 (POU class 3 homeobox 3; plus strand). Cytogenetic location: 2q12.1.
Variant type: Deletion.
Coding change: c.1032del on transcript NM_006236.3 (MANE Select); coding-DNA position 1032, one base deleted (G; older notation c.1032delG).
Protein change: p.Leu345fs; shifts the reading frame from leucine 345.
Molecular consequence: frameshift variant.
Genome position (GRCh38, 1-based): chr2:104,856,542, G deleted; the last of 4 consecutive G bases (chr2:104,856,539-104,856,542); deleting any one gives the same sequence. VCF-style (leftmost placement, unchanged base first): chr2-104856538-TG-T. GRCh37 (hg19) VCF-style: chr2-105472996-TG-T.
Other names: short protein forms L345fs.
Identifiers: ClinVar variation 986043 (VCV000986043.4), dbSNP rs1676571583, ClinGen allele CA1139657177.